The following is an entry in ClinVar:

ClinVar aggregate classification (germline): Likely pathogenic (1 of 4 stars; one submission).

Submission:

GeneDx
Classification: Likely pathogenic. Last evaluated: 2016-01-06. Review status: criteria provided, single submitter. Criteria: GeneDx Variant Classification (06012015). Collection method: clinical testing. Allele origin: germline. Affected: yes.
Comment: The S2032F variant in the ARID1B gene has not been reported previously as a pathogenic variant, nor as a benign variant, to our knowledge. The S2032F variant was not observed in approximately 6500 individuals of European and African American ancestry in the NHLBI Exome Sequencing Project, indicating it is not a common benign variant in these populations. The S2032F variant is a non-conservative amino acid substitution, which occurs at a position that is conserved across species. In silico analysis predicts this variant is probably damaging to the protein structure/function. The S2032F variant is a strong candidate for a pathogenic variant, however the possibility it may be a rare benign variant cannot be excluded.

NM_001374828.1(ARID1B):c.6464C>T (p.Ser2155Phe)

Gene: ARID1B (AT-rich interaction domain 1B; plus strand). Cytogenetic location: 6q25.3.
Variant type: single nucleotide variant.
Coding change: c.6464C>T on transcript NM_001374828.1 (MANE Select); coding-DNA position 6464, C replaced by T.
Protein change: p.Ser2155Phe; replaces serine 2155 with phenylalanine.
Molecular consequence: missense variant.
Genome position (GRCh38, 1-based): chr6:157,207,236, C>T. VCF-style: chr6-157207236-C-T. GRCh37 (hg19) VCF-style: chr6-157528370-C-T.
Other names: c.6095C>T, p.Ser2032Phe (NM_020732.3); c.3965C>T, p.Ser1322Phe (NM_001363725.2); c.6344C>T, p.Ser2115Phe (NM_001371656.1, NM_001374820.1); c.6305C>T, p.Ser2102Phe (NM_017519.3); short protein forms S2032F, S1322F, S2102F, S2115F, S2155F.
Identifiers: ClinVar variation 265517 (VCV000265517.2), dbSNP rs886039594, ClinGen allele CA10588414.